The following is an entry in ClinVar:

ClinVar aggregate classification (germline): Uncertain significance (1 of 4 stars; one submission).

Conditions:
Generalized epilepsy with febrile seizures plus, type 7 (GEFSP7). Also called: GEFS+, TYPE 7. Identifiers: Orphanet 36387, MedGen C2751778, MONDO:0013470, OMIM 613863.
Neuropathy, hereditary sensory and autonomic, type 2A (HSAN2A). Also called: MORVAN DISEASE; NEUROPATHY, CONGENITAL SENSORY; NEUROPATHY, HEREDITARY SENSORY RADICULAR, AUTOSOMAL RECESSIVE; NEUROPATHY, HEREDITARY SENSORY, TYPE IIA; NEUROPATHY, PROGRESSIVE SENSORY, OF CHILDREN; WNK1-Related HSAN2 (HSAN2A). Identifiers: Orphanet 970, MedGen C2752089, MONDO:0024309, OMIM 201300.

Submission:

Labcorp Genetics (formerly Invitae), Labcorp
Classification: Uncertain significance for Neuropathy, hereditary sensory and autonomic, type 2A; Generalized epilepsy with febrile seizures plus, type 7. Last evaluated: 2022-07-07. Review status: criteria provided, single submitter. Criteria: Invitae Variant Classification Sherloc (09022015). Collection method: clinical testing. Allele origin: germline.
Comment: In summary, the available evidence is currently insufficient to determine the role of this variant in disease. Therefore, it has been classified as a Variant of Uncertain Significance. Algorithms developed to predict the effect of missense changes on protein structure and function (SIFT, PolyPhen-2, Align-GVGD) all suggest that this variant is likely to be tolerated. This variant has not been reported in the literature in individuals affected with SCN9A-related conditions. This variant is not present in population databases (gnomAD no frequency). This sequence change replaces leucine, which is neutral and non-polar, with phenylalanine, which is neutral and non-polar, at codon 488 of the SCN9A protein (p.Leu488Phe).

NM_001365536.1(SCN9A):c.1462C>T (p.Leu488Phe)

Genes: SCN1A-AS1 (SCN1A and SCN9A antisense RNA 1; plus strand), SCN9A (sodium voltage-gated channel alpha subunit 9; minus strand). Cytogenetic location: 2q24.3.
Variant type: single nucleotide variant.
Coding change: c.1462C>T on transcript NM_001365536.1 (MANE Select); coding-DNA position 1462, C replaced by T.
Protein change: p.Leu488Phe; replaces leucine 488 with phenylalanine.
Molecular consequence: missense variant.
Genome position (GRCh38, 1-based): chr2:166,286,476, G>A on the plus strand (C>T on the coding strand, the complement: SCN9A is on the minus strand). VCF-style: chr2-166286476-G-A. GRCh37 (hg19) VCF-style: chr2-167142986-G-A.
Other names: c.1462C>T, p.Leu488Phe (NM_002977.4); short protein forms L488F.
Identifiers: ClinVar variation 2001565 (VCV002001565.4), dbSNP rs1697749294, ClinGen allele CA349084686.